The following is an entry in ClinVar:

NM_000550.3(TYRP1):c.474_477del (p.Phe159fs)

Gene: TYRP1 (tyrosinase related protein 1; plus strand). Cytogenetic location: 9p23.
Variant type: Deletion.
Coding change: c.474_477del on transcript NM_000550.3 (MANE Select); coding-DNA positions 474 to 477, 4 bases deleted (ATTT; older notation c.474_477delATTT).
Protein change: p.Phe159fs; shifts the reading frame from phenylalanine 159.
Molecular consequence: frameshift variant.
Genome position (GRCh38, 1-based): chr9:12,695,603-12,695,606, ATTT deleted; deleting any 4 consecutive bases within chr9:12,695,600-12,695,606 gives the same sequence; the c. name uses the placement nearest the transcript's 3' end. VCF-style (leftmost placement, unchanged base first): chr9-12695599-CTTTA-C. GRCh37 (hg19) VCF-style: chr9-12695599-CTTTA-C.
Other names: short protein forms F159fs.
Identifiers: ClinVar variation 1975781 (VCV001975781.5), dbSNP rs2537276269, ClinGen allele CA2580079189.

ClinVar aggregate classification (germline): Pathogenic (1 of 4 stars; one submission).

Submission:

Labcorp Genetics (formerly Invitae), Labcorp
Classification: Pathogenic. Last evaluated: 2022-11-01. Review status: criteria provided, single submitter. Criteria: Invitae Variant Classification Sherloc (09022015). Collection method: clinical testing. Allele origin: germline.
Comment: For these reasons, this variant has been classified as Pathogenic. Algorithms developed to predict the effect of sequence changes on RNA splicing suggest that this variant may disrupt the consensus splice site. This variant has not been reported in the literature in individuals affected with TYRP1-related conditions. This variant is not present in population databases (gnomAD no frequency). This sequence change creates a premature translational stop signal (p.Phe159Serfs*44) in the TYRP1 gene. It is expected to result in an absent or disrupted protein product. Loss-of-function variants in TYRP1 are known to be pathogenic (PMID: 8651291, 9345097).

Literature cited by the submitters: PubMed 8651291; PubMed 9345097.